The following is an entry in ClinVar:

ClinVar aggregate classification (germline): Uncertain significance (1 of 4 stars; one submission).

Conditions:
Ataxia-telangiectasia syndrome (AT). Also called: Cerebello-oculocutaneous telangiectasia; Immunodeficiency with ataxia telangiectasia; Ataxia-telangiectasia, complementation group E; Ataxia-telangiectasia, complementation group D; LOUIS-BAR SYNDROME; AT, COMPLEMENTATION GROUP C. Identifiers: Orphanet 100, MedGen C0004135, MONDO:0008840, OMIM 208900.

Submission:

Labcorp Genetics (formerly Invitae), Labcorp
Classification: Uncertain significance for Ataxia-telangiectasia syndrome. Last evaluated: 2023-03-02. Review status: criteria provided, single submitter. Criteria: Invitae Variant Classification Sherloc (09022015). Collection method: clinical testing. Allele origin: germline.
Comment: This sequence change replaces isoleucine, which is neutral and non-polar, with phenylalanine, which is neutral and non-polar, at codon 238 of the ATM protein (p.Ile238Phe). In summary, the available evidence is currently insufficient to determine the role of this variant in disease. Therefore, it has been classified as a Variant of Uncertain Significance. Algorithms developed to predict the effect of sequence changes on RNA splicing suggest that this variant may create or strengthen a splice site. An algorithm developed to predict the effect of missense changes on protein structure and function (PolyPhen-2) suggests that this variant is likely to be tolerated. This variant has not been reported in the literature in individuals affected with ATM-related conditions. This variant is not present in population databases (gnomAD no frequency).

NM_000051.4(ATM):c.712A>T (p.Ile238Phe)

Gene: ATM (ATM serine/threonine kinase; plus strand). Cytogenetic location: 11q22.3.
Variant type: single nucleotide variant.
Coding change: c.712A>T on transcript NM_000051.4 (MANE Select); coding-DNA position 712, A replaced by T.
Protein change: p.Ile238Phe; replaces isoleucine 238 with phenylalanine.
Molecular consequence: missense variant.
Genome position (GRCh38, 1-based): chr11:108,244,837, A>T. VCF-style: chr11-108244837-A-T. GRCh37 (hg19) VCF-style: chr11-108115564-A-T.
Other names: c.712A>T, p.Ile238Phe (NM_001351834.2); short protein forms I238F.
Identifiers: ClinVar variation 2842206 (VCV002842206.3), dbSNP rs754275014, ClinGen allele CA382529167.